The following is an entry in ClinVar:

ClinVar aggregate classification (germline): Uncertain significance. Review status: criteria provided, multiple submitters, no conflicts (2 of 4 stars). 3 submissions from 3 submitters: Uncertain significance (3). Last evaluated 2026-08-17.

Conditions:
Hereditary cancer-predisposing syndrome. Also called: Hereditary Cancer Syndrome; Hereditary neoplastic syndrome; Neoplastic Syndromes, Hereditary; Tumor predisposition. Identifiers: Orphanet 140162, MedGen C0027672, MeSH D009386, MONDO:0015356.
Prostate cancer, hereditary, 9 (HPC9). Identifiers: Orphanet 1331, MedGen C1970250, MONDO:0012597, OMIM 610997.

Submissions (3):

Ambry Genetics
Classification: Uncertain significance for Hereditary cancer-predisposing syndrome. Last evaluated: 2026-08-17. Review status: criteria provided, single submitter. Criteria: Ambry Variant Classification Scheme 2023. Collection method: clinical testing. Allele origin: germline.
Comment: The c.647_650dupGCCG variant, located in coding exon 2 of the HOXB13 gene, results from a duplication of GCCG at nucleotide position 647, causing a translational frameshift with a predicted alternate stop codon (p.K218Pfs*22). This variant occurs at the 3' terminus of the gene and is not expected to trigger nonsense-mediated mRNA decay. Based on the available evidence, the clinical significance of this variant remains unclear.

Labcorp Genetics (formerly Invitae), Labcorp
Classification: Uncertain significance. Last evaluated: 2024-04-15. Review status: criteria provided, single submitter. Criteria: Invitae Variant Classification Sherloc (09022015). Collection method: clinical testing. Allele origin: germline.
Comment: This sequence change creates a premature translational stop signal (p.Lys218Profs*22) in the HOXB13 gene. While this is not anticipated to result in nonsense mediated decay, it is expected to disrupt the last 67 amino acid(s) of the HOXB13 protein. This variant is not present in population databases (gnomAD no frequency). This variant has not been reported in the literature in individuals affected with HOXB13-related conditions. In summary, the available evidence is currently insufficient to determine the role of this variant in disease. Therefore, it has been classified as a Variant of Uncertain Significance.

Fulgent Genetics
Classification: Uncertain significance for Prostate cancer, hereditary, 9. Last evaluated: 2024-03-11. Review status: criteria provided, single submitter. Criteria: ACMG Guidelines, 2015. Collection method: clinical testing. Allele origin: germline.

NM_006361.6(HOXB13):c.647_650dup (p.Lys218fs)

Gene: HOXB13 (homeobox B13; minus strand). Cytogenetic location: 17q21.32.
Variant type: Duplication.
Coding change: c.647_650dup on transcript NM_006361.6 (MANE Select); coding-DNA positions 647 to 650, 4 bases duplicated (GCCG; older notation c.647_650dupGCCG).
Protein change: p.Lys218fs; shifts the reading frame from lysine 218.
Molecular consequence: frameshift variant.
Genome position (GRCh38, 1-based): chr17:48,726,995-48,726,998, CGGC duplicated on the plus strand (GCCG on the coding strand, the reverse complement: HOXB13 is on the minus strand); duplicating any 4 consecutive bases within chr17:48,726,995-48,727,000 gives the same sequence; the c. name uses the placement nearest the transcript's 3' end. VCF-style (leftmost placement, unchanged base first): chr17-48726994-G-GCGGC. GRCh37 (hg19) VCF-style: chr17-46804356-G-GCGGC.
Other names: c.647_650dupGCCG (NM_006361.5); short protein forms K218fs.
Identifiers: ClinVar variation 2891600 (VCV002891600.6), dbSNP rs1567701164, ClinGen allele CA919853935.
Genomic context (GRCh38, chr17:48,726,994, plus strand): 5'-AGCCGCATACTCCCGCTCCAGCTCCCGCAACTGCCCCTTGCTGTACGGAATGCGTTTCTT[G>GCGGC]CGGCCGCGACGAAAGGCGCAGGCGTCAGGAGGGTGCTGCCCGCTGGAGTCTGCGCGGCGT-3'